The following is an entry in ClinVar:

ClinVar aggregate classification (germline): Conflicting classifications of pathogenicity. Review status: criteria provided, conflicting classifications (1 of 4 stars). 3 submissions from 3 submitters: Uncertain significance (2); Likely benign (1). Last evaluated 2025-11-20.

Conditions:
Hereditary cancer-predisposing syndrome. Also called: Hereditary Cancer Syndrome; Neoplastic Syndromes, Hereditary; Tumor predisposition; Hereditary neoplastic syndrome. Identifiers: Orphanet 140162, MedGen C0027672, MeSH D009386, MONDO:0015356.
Rhabdoid tumor predisposition syndrome 2 (RTPS2). Identifiers: Orphanet 231108, Orphanet 69077, MedGen C2750074, MONDO:0013224, OMIM 613325.
Intellectual disability, autosomal dominant 16 (CSS4). Also called: COFFIN-SIRIS SYNDROME 4. Identifiers: Orphanet 1465, MedGen C3553249, MONDO:0013821, OMIM 614609.

Allele frequency attached by ClinVar (database versions not stated): gnomAD exomes below 0.00001.
gnomAD v4.1: 1 of 1,613,906 alleles (0.000062%); highest among the groups gnomAD compares: Non-Finnish European, 0.000085%; no homozygotes.

Submissions (3):

Labcorp Genetics (formerly Invitae), Labcorp
Classification: Likely benign for Rhabdoid tumor predisposition syndrome 2. Last evaluated: 2025-11-20. Review status: criteria provided, single submitter. Criteria: Invitae Variant Classification Sherloc (09022015). Collection method: clinical testing. Allele origin: germline.

Ambry Genetics
Classification: Uncertain significance for Hereditary cancer-predisposing syndrome. Last evaluated: 2025-08-01. Review status: criteria provided, single submitter. Criteria: Ambry Variant Classification Scheme 2023. Collection method: clinical testing. Allele origin: germline.
Comment: The c.1119-5C>T intronic variant results from a C to T substitution 5 nucleotides upstream from coding exon 6 in the SMARCA4 gene. This nucleotide position is not well conserved in available vertebrate species. In silico splice site analysis predicts that this alteration will not have any significant effect on splicing; however, direct evidence is insufficient at this time (Ambry internal data). This variant has been detected in multiple individuals with no reported features of Coffin-Siris syndrome-associated disease (Ambry internal data). Based on the supporting evidence, the association of this alteration with rhabdoid tumor predisposition syndrome is unknown; however, the association of this alteration with Coffin-Siris syndrome is unlikely.

Genome-Nilou Lab
Classification: Uncertain significance for Intellectual disability, autosomal dominant 16. Last evaluated: 2021-07-15. Review status: criteria provided, single submitter. Criteria: ACMG Guidelines, 2015. Collection method: clinical testing. Allele origin: germline. Affected: no.

NM_003072.5(SMARCA4):c.1119-5C>T

Gene: SMARCA4 (SWI/SNF related BAF chromatin remodeling complex subunit ATPase 4; plus strand). Cytogenetic location: 19p13.2.
Variant type: single nucleotide variant.
Coding change: c.1119-5C>T on transcript NM_003072.5 (MANE Select); 5 bases into the intron before coding-DNA position 1119, C replaced by T.
Molecular consequence: intron variant.
Genome position (GRCh38, 1-based): chr19:10,989,312, C>T. VCF-style: chr19-10989312-C-T. GRCh37 (hg19) VCF-style: chr19-11099988-C-T.
Other names: c.1119-5C>T (NM_001128844.3, NM_001128849.3, NM_001128847.4 and 5 more transcripts).
Identifiers: ClinVar variation 480663 (VCV000480663.17), dbSNP rs1555756257, ClinGen allele CA658656761.
Genomic context (GRCh38, chr19:10,989,312, plus strand): 5'-CTCCAGCTGTAACTGGGTGCCCTGGCAACCCTCTCACCGCCTTTGCTCCTTGTCTCTGCT[C>T]CCAGGCTGCAGGCTCGCATCGCACACCGAATTCAGGAACTTGAAAACCTTCCCGGGTCCC-3'